The following is an entry in ClinVar:

ClinVar aggregate classification (germline): Uncertain significance (1 of 4 stars; one submission).

Submission:

GeneDx
Classification: Uncertain significance. Last evaluated: 2023-01-24. Review status: criteria provided, single submitter. Criteria: GeneDx Variant Classification Process June 2021. Collection method: clinical testing. Allele origin: germline. Affected: yes.
Comment: In-frame insertion of 1 amino acids in a non-repeat region; Not observed at significant frequency in large population cohorts (gnomAD); Has not been previously published as pathogenic or benign to our knowledge

NM_000222.3(KIT):c.1850_1852dup (p.Ala617_Met618insThr)

Gene: KIT (KIT proto-oncogene, receptor tyrosine kinase; plus strand). Cytogenetic location: 4q12.
Variant type: Duplication.
Coding change: c.1850_1852dup on transcript NM_000222.3 (MANE Select); coding-DNA positions 1850 to 1852, 3 bases duplicated (CCA; older notation c.1850_1852dupCCA).
Protein change: p.Ala617_Met618insThr.
Molecular consequence: inframe insertion.
Genome position (GRCh38, 1-based): chr4:54,727,898-54,727,900, CCA duplicated. VCF-style (leftmost placement, unchanged base first): chr4-54727897-G-GCCA. GRCh37 (hg19) VCF-style: chr4-55594063-G-GCCA.
Other names: c.1838_1840dup, p.Ala613_Met614insThr (NM_001093772.2, NM_001385286.1); c.1853_1855dup, p.Ala618_Met619insThr (NM_001385284.1, NM_001385290.1); c.1850_1852dup, p.Ala617_Met618insThr (NM_001385285.1); c.1841_1843dup, p.Ala614_Met615insThr (NM_001385288.1, NM_001385292.1).
Identifiers: ClinVar variation 2573799 (VCV002573799.1), dbSNP rs2475548172, ClinGen allele CA2573332895.